The following is an entry in ClinVar:

ClinVar aggregate classification (germline): Uncertain significance (1 of 4 stars; one submission).

Conditions:
Multiple congenital anomalies-hypotonia-seizures syndrome 3 (MCAHS3). Also called: GLYCOSYLPHOSPHATIDYLINOSITOL BIOSYNTHESIS DEFECT 7. Identifiers: Orphanet 369837, MedGen C3809356, MONDO:0014165, OMIM 615398.

Allele frequency attached by ClinVar (database versions not stated): gnomAD 0.00001; TOPMed 0.00001.
gnomAD v4.1: 14 of 1,608,430 alleles (0.00087%); highest among the groups gnomAD compares: Non-Finnish European, 0.0012%; no homozygotes.

Submission:

Labcorp Genetics (formerly Invitae), Labcorp
Classification: Uncertain significance for Multiple congenital anomalies-hypotonia-seizures syndrome 3. Last evaluated: 2023-04-28. Review status: criteria provided, single submitter. Criteria: Invitae Variant Classification Sherloc (09022015). Collection method: clinical testing. Allele origin: germline.
Comment: In summary, the available evidence is currently insufficient to determine the role of this variant in disease. Therefore, it has been classified as a Variant of Uncertain Significance. Variants that disrupt the consensus splice site are a relatively common cause of aberrant splicing (PMID: 17576681, 9536098). Algorithms developed to predict the effect of sequence changes on RNA splicing suggest that this variant may disrupt the consensus splice site. This variant has not been reported in the literature in individuals affected with PIGT-related conditions. This variant is present in population databases (no rsID available, gnomAD 0.002%). This sequence change falls in intron 6 of the PIGT gene. It does not directly change the encoded amino acid sequence of the PIGT protein. It affects a nucleotide within the consensus splice site.

Literature cited by the submitters: PubMed 17576681; PubMed 9536098.

NM_015937.6(PIGT):c.769+5G>A

Gene: PIGT (phosphatidylinositol glycan anchor biosynthesis class T; plus strand). Cytogenetic location: 20q13.12.
Variant type: single nucleotide variant.
Coding change: c.769+5G>A on transcript NM_015937.6 (MANE Select); 5 bases into the intron after coding-DNA position 769, G replaced by A.
Molecular consequence: intron variant.
Genome position (GRCh38, 1-based): chr20:45,420,228, G>A. VCF-style: chr20-45420228-G-A. GRCh37 (hg19) VCF-style: chr20-44048868-G-A.
Other names: c.769+5G>A (NM_001184729.3); c.601+5G>A (NM_001184728.3); c.463+5G>A (NM_001184730.3).
Identifiers: ClinVar variation 2977411 (VCV002977411.3), dbSNP rs1398815664, ClinGen allele CA636175055.